The following is an entry in ClinVar:

NM_000179.3(MSH6):c.762_763del (p.Glu255_Ser256insTer)

Gene: MSH6 (mutS homolog 6; plus strand). Cytogenetic location: 2p16.3.
Variant type: Deletion.
Coding change: c.762_763del on transcript NM_000179.3 (MANE Select); coding-DNA positions 762 to 763, 2 bases deleted (TG; older notation c.762_763delTG).
Protein change: p.Glu255_Ser256insTer.
Molecular consequence: frameshift variant. On other transcripts: 5 prime UTR variant (2).
Genome position (GRCh38, 1-based): chr2:47,798,745-47,798,746, TG deleted. VCF-style (leftmost placement, unchanged base first): chr2-47798744-CTG-C. GRCh37 (hg19) VCF-style: chr2-48025883-CTG-C.
Other names: c.762_763delTG (NM_000179.2); c.372_373del, p.Glu125_Ser126insTer (NM_001281492.2); c.-145_-144del (NM_001281493.2, NM_001281494.2).
Identifiers: ClinVar variation 89567 (VCV000089567.4), dbSNP rs267608072, ClinGen allele CA016443.

ClinVar aggregate classification (germline): Pathogenic. Review status: reviewed by expert panel (3 of 4 stars). 3 submissions from 3 submitters: Pathogenic (1). 2 of the submissions do not count toward it. Last evaluated 2013-09-05.

Conditions:
Lynch syndrome. Identifiers: Orphanet 144, MedGen C4552100, MONDO:0005835. Disease mechanism: loss of function.
Lynch syndrome 5 (LYNCH5). Also called: Colorectal cancer, hereditary nonpolyposis, type 5; Hereditary non-polyposis colorectal cancer, type 5. Identifiers: Orphanet 144, MedGen C1833477, MONDO:0013710, OMIM 614350. Disease mechanism: loss of function.

Submissions (3):

International Society for Gastrointestinal Hereditary Tumours (InSiGHT)
Classification: Pathogenic for Lynch Syndrome. Last evaluated: 2013-09-05. Review status: reviewed by expert panel. Criteria: Guidelines v1.9. Collection method: research. Allele origin: germline.
Comment: Coding sequence variation resulting in a stop codon

Classified with v1.9 guidelines

Myriad Genetics, Inc.
Classification: Pathogenic for Lynch syndrome 5. Last evaluated: 2023-08-10. Review status: criteria provided, single submitter. Criteria: Myriad Autosomal Dominant, Autosomal Recessive and X-Linked Classification Criteria (2023). Collection method: clinical testing. Allele origin: unknown. Not counted in ClinVar's aggregate classification.
Comment: This variant is considered pathogenic. This variant creates a termination codon and is predicted to result in premature protein truncation.

Department of Pathology and Laboratory Medicine, Sinai Health System
Classification: Pathogenic. Review status: no assertion criteria provided. Collection method: clinical testing. Allele origin: unknown. Affected: yes. Observed: 1 variant allele. Study: The Canadian Open Genetics Repository (COGR). Not counted in ClinVar's aggregate classification.
Comment: Needs formal NVA with literature and database searches in the future, as per [PII REDACTED].